The following is an entry in ClinVar:

NM_016938.5(EFEMP2):c.349G>A (p.Asp117Asn)

Gene: EFEMP2 (EGF-like fibulin extracellular matrix protein 2; minus strand). Cytogenetic location: 11q13.1.
Variant type: single nucleotide variant.
Coding change: c.349G>A on transcript NM_016938.5 (MANE Select); coding-DNA position 349, G replaced by A.
Protein change: p.Asp117Asn; replaces aspartic acid 117 with asparagine.
Molecular consequence: missense variant. On other transcripts: non-coding transcript variant (1).
Genome position (GRCh38, 1-based): chr11:65,871,175, C>T on the plus strand (G>A on the coding strand, the complement: EFEMP2 is on the minus strand). VCF-style: chr11-65871175-C-T. GRCh37 (hg19) VCF-style: chr11-65638646-C-T.
Other names: short protein forms D117N.
Identifiers: ClinVar variation 639183 (VCV000639183.8), dbSNP rs749326725, ClinGen allele CA6110706.

ClinVar aggregate classification (germline): Conflicting classifications of pathogenicity. Review status: criteria provided, conflicting classifications (1 of 4 stars). 3 submissions from 3 submitters: Uncertain significance (2); Likely benign (1). Last evaluated 2026-08-12.

Conditions:
Cutis laxa, autosomal recessive, type 1B (ARCL1B). Also called: EFEMP2-Related Cutis Laxa; CUTIS LAXA, AUTOSOMAL RECESSIVE, TYPE IB. Identifiers: Orphanet 90349, MedGen C3280798, MONDO:0013754, OMIM 614437. Disease mechanism: loss of function.
Cardiovascular phenotype. Identifiers: MedGen CN230736.

Allele frequency attached by ClinVar (database versions not stated): TOPMed below 0.00001; gnomAD 0.00001; ExAC 0.00002; gnomAD exomes 0.00002.
gnomAD v4.1: 14 of 1,614,056 alleles (0.00087%); highest among the groups gnomAD compares: Non-Finnish European, 0.0011%; no homozygotes.

Submissions (3):

Ambry Genetics
Classification: Likely benign for Cardiovascular phenotype. Last evaluated: 2026-08-12. Review status: criteria provided, single submitter. Criteria: Ambry Variant Classification Scheme 2023. Collection method: clinical testing. Allele origin: germline.

Women's Health and Genetics/Laboratory Corporation of America, LabCorp
Classification: Uncertain significance. Last evaluated: 2026-03-05. Review status: criteria provided, single submitter. Criteria: LabCorp Variant Classification Summary - May 2015. Collection method: clinical testing. Allele origin: germline.

Labcorp Genetics (formerly Invitae), Labcorp
Classification: Uncertain significance for Cutis laxa, autosomal recessive, type 1B. Last evaluated: 2022-07-19. Review status: criteria provided, single submitter. Criteria: Invitae Variant Classification Sherloc (09022015). Collection method: clinical testing. Allele origin: germline.
Comment: This sequence change replaces aspartic acid, which is acidic and polar, with asparagine, which is neutral and polar, at codon 117 of the EFEMP2 protein (p.Asp117Asn). This variant is present in population databases (rs749326725, gnomAD 0.003%). This variant has not been reported in the literature in individuals affected with EFEMP2-related conditions. ClinVar contains an entry for this variant (Variation ID: 639183). Algorithms developed to predict the effect of missense changes on protein structure and function (SIFT, PolyPhen-2, Align-GVGD) all suggest that this variant is likely to be tolerated. In summary, the available evidence is currently insufficient to determine the role of this variant in disease. Therefore, it has been classified as a Variant of Uncertain Significance.